The following is an entry in ClinVar:

ClinVar aggregate classification (germline): Uncertain significance (1 of 4 stars; one submission).

Allele frequency attached by ClinVar (database versions not stated): TOPMed below 0.00001.
gnomAD v4.1: 8 of 1,614,114 alleles (0.0005%); highest among the groups gnomAD compares: Non-Finnish European, 0.00068%; no homozygotes.

Submission:

Labcorp Genetics (formerly Invitae), Labcorp
Classification: Uncertain significance. Last evaluated: 2022-11-22. Review status: criteria provided, single submitter. Criteria: Invitae Variant Classification Sherloc (09022015). Collection method: clinical testing. Allele origin: germline.
Comment: In summary, the available evidence is currently insufficient to determine the role of this variant in disease. Therefore, it has been classified as a Variant of Uncertain Significance. Advanced modeling of protein sequence and biophysical properties (such as structural, functional, and spatial information, amino acid conservation, physicochemical variation, residue mobility, and thermodynamic stability) performed at Invitae indicates that this missense variant is not expected to disrupt SZT2 protein function. ClinVar contains an entry for this variant (Variation ID: 1443975). This variant has not been reported in the literature in individuals affected with SZT2-related conditions. This variant is present in population databases (rs756225921, gnomAD 0.003%). This sequence change replaces glycine, which is neutral and non-polar, with aspartic acid, which is acidic and polar, at codon 2698 of the SZT2 protein (p.Gly2698Asp).

NM_001365999.1(SZT2):c.8264G>A (p.Gly2755Asp)

Gene: SZT2 (SZT2 subunit of KICSTOR complex; plus strand). Cytogenetic location: 1p34.2.
Variant type: single nucleotide variant.
Coding change: c.8264G>A on transcript NM_001365999.1 (MANE Select); coding-DNA position 8264, G replaced by A.
Protein change: p.Gly2755Asp; replaces glycine 2755 with aspartic acid.
Molecular consequence: missense variant.
Genome position (GRCh38, 1-based): chr1:43,442,931, G>A. VCF-style: chr1-43442931-G-A. GRCh37 (hg19) VCF-style: chr1-43908602-G-A.
Other names: c.8093G>A, p.Gly2698Asp (NM_015284.4); short protein forms G2698D, G2755D.
Identifiers: ClinVar variation 1443975 (VCV001443975.6), dbSNP rs756225921, ClinGen allele CA810500.